The following is an entry in ClinVar:

NM_000388.4(CASR):c.1902dup (p.Ile635fs)

Gene: CASR (calcium sensing receptor; plus strand). Cytogenetic location: 3q21.1.
Variant type: Duplication.
Coding change: c.1902dup on transcript NM_000388.4 (MANE Select); coding-DNA position 1902, one base duplicated (T; older notation c.1902dupT).
Protein change: p.Ile635fs; shifts the reading frame from isoleucine 635.
Molecular consequence: frameshift variant.
Genome position (GRCh38, 1-based): chr3:122,283,856, T duplicated; the last of 3 consecutive T bases (chr3:122,283,854-122,283,856); duplicating any one gives the same sequence. VCF-style (leftmost placement, unchanged base first): chr3-122283853-G-GT. GRCh37 (hg19) VCF-style: chr3-122002700-G-GT.
Other names: c.1932dup, p.Ile645fs (NM_001178065.2); short protein forms I635fs, I645fs.
Identifiers: ClinVar variation 2029683 (VCV002029683.4), dbSNP rs2473276800, ClinGen allele CA2580068639.

ClinVar aggregate classification (germline): Pathogenic (1 of 4 stars; one submission).

Conditions:
Familial hypocalciuric hypercalcemia (FHH). Also called: Familial benign hypercalcemia. Identifiers: Orphanet 405, MedGen C1809471, MONDO:0018458.
Autosomal dominant hypocalcemia 1 (HYPOC1). Also called: HYPOCALCEMIA, FAMILIAL. Identifiers: MedGen C3715128, MONDO:0011013, OMIM 601198.

Submission:

Labcorp Genetics (formerly Invitae), Labcorp
Classification: Pathogenic for Familial hypocalciuric hypercalcemia; Autosomal dominant hypocalcemia 1. Last evaluated: 2024-01-15. Review status: criteria provided, single submitter. Criteria: Invitae Variant Classification Sherloc (09022015). Collection method: clinical testing. Allele origin: germline.
Comment: This sequence change creates a premature translational stop signal (p.Ile635Tyrfs*73) in the CASR gene. While this is not anticipated to result in nonsense mediated decay, it is expected to disrupt the last 444 amino acid(s) of the CASR protein. This variant is not present in population databases (gnomAD no frequency). This variant has not been reported in the literature in individuals affected with CASR-related conditions. ClinVar contains an entry for this variant (Variation ID: 2029683). This variant disrupts a region of the CASR protein in which other variant(s) (p.Arg886Pro) have been determined to be pathogenic (PMID: 11807402, 20798521; Invitae). This suggests that this is a clinically significant region of the protein, and that variants that disrupt it are likely to be disease-causing. For these reasons, this variant has been classified as Pathogenic.

Literature cited by the submitters: PubMed 11807402; PubMed 20798521.